The following is an entry in ClinVar:

NM_003072.5(SMARCA4):c.87_222+48del

Gene: SMARCA4 (SWI/SNF related BAF chromatin remodeling complex subunit ATPase 4; plus strand). Cytogenetic location: 19p13.2.
Variant type: Deletion.
Coding change: c.87_222+48del on transcript NM_003072.5 (MANE Select); coding-DNA position 87 through 48 bases into the intron after coding-DNA position 222, 184 bases deleted.
Molecular consequence: splice donor variant.
Genome position (GRCh38, 1-based): chr19:10,984,238-10,984,421, 184 bases deleted. GRCh37 (hg19): chr19:11,094,914-11,095,097.
Other names: c.87_222+48del (NM_001128844.3, NM_001128849.3, NM_001128847.4 and 5 more transcripts).
Identifiers: ClinVar variation 1068275 (VCV001068275.7), dbSNP rs2145722767, ClinGen allele CA2499225262.

ClinVar aggregate classification (germline): Likely pathogenic (1 of 4 stars; one submission).

Conditions:
Rhabdoid tumor predisposition syndrome 2 (RTPS2). Identifiers: Orphanet 231108, Orphanet 69077, MedGen C2750074, MONDO:0013224, OMIM 613325.

Submission:

Labcorp Genetics (formerly Invitae), Labcorp
Classification: Likely pathogenic for Rhabdoid tumor predisposition syndrome 2. Last evaluated: 2020-08-11. Review status: criteria provided, single submitter. Criteria: Invitae Variant Classification Sherloc (09022015). Collection method: clinical testing. Allele origin: germline.
Comment: In summary, the currently available evidence indicates that the variant is pathogenic, but additional data are needed to prove that conclusively. Therefore, this variant has been classified as Likely Pathogenic. Loss-of-function variants in SMARCA4 are known to be pathogenic (PMID: 24658001, 24658002). This variant has not been reported in the literature in individuals with SMARCA4-related conditions. This variant is not present in population databases (ExAC no frequency). This variant results in the deletion of part of exon 2 (c.87_222+48del) of the SMARCA4 gene. It is expected to disrupt RNA splicing and likely results in an absent or disrupted protein product.

Literature cited by the submitters: PubMed 24658001; PubMed 24658002.